The following is an entry in ClinVar:

ClinVar aggregate classification (germline): Uncertain significance (1 of 4 stars; one submission).

Allele frequency attached by ClinVar (database versions not stated): TOPMed below 0.00001.
gnomAD v4.1: 4 of 1,613,110 alleles (0.00025%); highest among the groups gnomAD compares: Non-Finnish European, 0.00025%; no homozygotes.

Submission:

GeneDx
Classification: Uncertain significance. Last evaluated: 2022-01-13. Review status: criteria provided, single submitter. Criteria: GeneDx Variant Classification Process June 2021. Collection method: clinical testing. Allele origin: germline. Affected: yes.
Comment: Not observed at significant frequency in large population cohorts (gnomAD); In silico analysis supports that this missense variant does not alter protein structure/function; Has not been previously published as pathogenic or benign to our knowledge

NM_001003800.2(BICD2):c.1562G>A (p.Ser521Asn)

Gene: BICD2 (BICD cargo adaptor 2; minus strand). Cytogenetic location: 9q22.31.
Variant type: single nucleotide variant.
Coding change: c.1562G>A on transcript NM_001003800.2 (MANE Select); coding-DNA position 1562, G replaced by A.
Protein change: p.Ser521Asn; replaces serine 521 with asparagine.
Molecular consequence: missense variant.
Genome position (GRCh38, 1-based): chr9:92,719,083, C>T on the plus strand (G>A on the coding strand, the complement: BICD2 is on the minus strand). VCF-style: chr9-92719083-C-T. GRCh37 (hg19) VCF-style: chr9-95481365-C-T.
Other names: c.1562G>A, p.Ser521Asn (NM_015250.4); short protein forms S521N.
Identifiers: ClinVar variation 1697133 (VCV001697133.2), dbSNP rs1853397224, ClinGen allele CA374037264.
Genomic context (GRCh38, chr9:92,719,083, plus strand): 5'-ACGTGGTGGTAGAGATTGGCCAGCTCCTCACTGAAGGTCACCAGCTCATCCTGGGCCACA[C>T]TCAGGCTGCCCTGTGTCTCGCCGGCGACGTCGCTCACCTTCTTTAGCTCCTTCTCCAGCC-3'
Protein context (NP_001003800.1, residues 511-531): DVAGETQGSL[Ser521Asn]VAQDELVTFS